The following is an entry in ClinVar:

ClinVar aggregate classification (germline): Uncertain significance (1 of 4 stars; one submission).

Conditions:
Lipodystrophy - childhood onset.

Submission:

Cambridge Genomics Laboratory, East Genomic Laboratory Hub, NHS Genomic Medicine Service
Classification: Uncertain significance for Lipodystrophy - childhood onset. Last evaluated: 2025-01-23. Review status: criteria provided, single submitter. Criteria: ACGS Best Practice Guidelines for Variant Classification in Rare Disease 2020. Collection method: clinical testing. Allele origin: germline. Affected: yes.
Comment: PM2,PP2,BP4

NM_000138.5(FBN1):c.2699A>T (p.Tyr900Phe)

Gene: FBN1 (fibrillin 1; minus strand). Cytogenetic location: 15q21.1.
Variant type: single nucleotide variant.
Coding change: c.2699A>T on transcript NM_000138.5 (MANE Select); coding-DNA position 2699, A replaced by T.
Protein change: p.Tyr900Phe; replaces tyrosine 900 with phenylalanine.
Molecular consequence: missense variant.
Genome position (GRCh38, 1-based): chr15:48,494,233, T>A on the plus strand (A>T on the coding strand, the complement: FBN1 is on the minus strand). VCF-style: chr15-48494233-T-A. GRCh37 (hg19) VCF-style: chr15-48786430-T-A.
Other names: c.2699A>T, p.Tyr900Phe (NM_001406716.1); short protein forms Y900F.
Identifiers: ClinVar variation 4682138 (VCV004682138.1).